The following is an entry in ClinVar:

ClinVar aggregate classification (germline): Uncertain significance (0 of 4 stars; one submission).

Conditions:
Phelan-McDermid syndrome. Also called: Phelan-McDermid Syndrome-SHANK3 Related; TELOMERIC 22q13 MONOSOMY SYNDROME; 22q13.3 deletion syndrome. Identifiers: Orphanet 48652, MedGen C1853490, MONDO:0011652, OMIM 606232.

Submission:

Diagnostics Centre, Carl Von Ossietzky University Oldenburg
Classification: Uncertain significance for Phelan-McDermid syndrome. Last evaluated: 2024-09-16. Review status: no assertion criteria provided. Collection method: clinical testing. Allele origin: germline. Affected: yes. Observed: 1 variant allele.
Comment: The variant in the exon 3 causes a change in protein length as a result of an in-frame deletion/insertion at nucleotide position 182 to 211. This change causes a deletion of the amino acid phenylalanine at position 62 to glycine at position 71 and an insertion of a cysteine. This variant is classified as very rare since it is absent in gnomAD v4.1.0. In summary, the variant is classified as likely pathogenic.

NM_001372044.2(SHANK3):c.185_211del (p.Phe62_Gly71delinsCys)

Gene: SHANK3 (SH3 and multiple ankyrin repeat domains 3; plus strand). Cytogenetic location: 22q13.33.
Variant type: Deletion.
Coding change: c.185_211del on transcript NM_001372044.2 (MANE Select); coding-DNA positions 185 to 211, 27 bases deleted (TCCCCGGCGCGAGCGGCCCCGGCCCGG).
Protein change: p.Phe62_Gly71delinsCys.
Molecular consequence: inframe indel.
Genome position (GRCh38, 1-based): chr22:50,674,601-50,674,627, TCCCCGGCGCGAGCGGCCCCGGCCCGG deleted. VCF-style (leftmost placement, unchanged base first): chr22-50674600-TTCCCCGGCGCGAGCGGCCCCGGCCCGG-T. GRCh37 (hg19) VCF-style: chr22-51113028-TTCCCCGGCGCGAGCGGCCCCGGCCCGG-T.
Identifiers: ClinVar variation 3899240 (VCV003899240.1).
Genomic context (GRCh38, chr22:50,674,600, plus strand): 5'-GGCTCCGGCGGGGGGGAAGGGGGGGCCGGGGCGCCGCGCGCGGAGTCCCCGGGCGCTCCG[TTCCCCGGCGCGAGCGGCCCCGGCCCGG>T]GCCCCGGCGCGGGGATGGACGGCCCCGGGGCCAGCGCCGTGGTCGTGCGCGTCGGCATCC-3'